The following is an entry in ClinVar:

NM_017849.4(TMEM127):c.446G>C (p.Trp149Ser)

Gene: TMEM127 (transmembrane protein 127; minus strand). Cytogenetic location: 2q11.2.
Variant type: single nucleotide variant.
Coding change: c.446G>C on transcript NM_017849.4 (MANE Select); coding-DNA position 446, G replaced by C.
Protein change: p.Trp149Ser; replaces tryptophan 149 with serine.
Molecular consequence: missense variant.
Genome position (GRCh38, 1-based): chr2:96,254,079, C>G on the plus strand (G>C on the coding strand, the complement: TMEM127 is on the minus strand). VCF-style: chr2-96254079-C-G. GRCh37 (hg19) VCF-style: chr2-96919817-C-G.
Other names: c.446G>C, p.Trp149Ser (NM_001193304.3); c.194G>C, p.Trp65Ser (NM_001407282.1, NM_001407283.1); short protein forms W149S, W65S.
Identifiers: ClinVar variation 2002165 (VCV002002165.4), dbSNP rs2467264272, ClinGen allele CA347653021.
Genomic context (GRCh38, chr2:96,254,079, plus strand): 5'-ACCTGGGATCCATGGTACTTCTTATGCTGCTGCTGCTGGGCCAAGATGAGTTCAGAAGCC[C>G]AATAAGAAAAGCCAATGACGGTGGCACACTGCAGAACTAGGAGACAGAGGGACAGCACAG-3'
Protein context (NP_060319.1, residues 139-159): QCATVIGFSY[Trp149Ser]ASELILAQQQ

ClinVar aggregate classification (germline): Uncertain significance (1 of 4 stars; one submission).

Conditions:
Hereditary pheochromocytoma and paraganglioma. Also called: Hereditary paragangliomas and pheochromocytomas; Hereditary Paraganglioma-Pheochromocytoma Syndromes; Hereditary pheochromocytoma-paraganglioma. Identifiers: Orphanet 29072, MedGen C4274332, MONDO:0017366.

Submission:

Labcorp Genetics (formerly Invitae), Labcorp
Classification: Uncertain significance for Hereditary pheochromocytoma and paraganglioma. Last evaluated: 2022-06-03. Review status: criteria provided, single submitter. Criteria: Invitae Variant Classification Sherloc (09022015). Collection method: clinical testing. Allele origin: germline.
Comment: In summary, the available evidence is currently insufficient to determine the role of this variant in disease. Therefore, it has been classified as a Variant of Uncertain Significance. Algorithms developed to predict the effect of missense changes on protein structure and function (SIFT, PolyPhen-2, Align-GVGD) all suggest that this variant is likely to be disruptive. This variant has not been reported in the literature in individuals affected with TMEM127-related conditions. This variant is not present in population databases (gnomAD no frequency). This sequence change replaces tryptophan, which is neutral and slightly polar, with serine, which is neutral and polar, at codon 149 of the TMEM127 protein (p.Trp149Ser).